The following is an entry in ClinVar:

ClinVar aggregate classification (germline): Benign. Review status: criteria provided, multiple submitters, no conflicts (2 of 4 stars). 5 submissions from 5 submitters: Benign (4). 1 of the submissions does not count toward it. Last evaluated 2026-02-04.

Conditions:
Jeune thoracic dystrophy. Also called: Jeune syndrome; Infantile thoracic dystrophy; Thoracic pelvic phalangeal dystrophy; Jeune's syndrome; Chondroectodermal dysplasia-like syndrome; Short-rib thoracic dysplasia. Identifiers: Orphanet 474, MedGen C0265275, MONDO:0018770.
DYNC2H1-related disorder. Also called: DYNC2H1-related disorders; DYNC2H1-related condition. Identifiers: MedGen CN378770.
Asphyxiating thoracic dystrophy 3. Also called: SHORT-RIB THORACIC DYSPLASIA 3 WITH OR WITHOUT POLYDACTYLY; POLYDACTYLY WITH NEONATAL CHONDRODYSTROPHY, TYPE I; SHORT-RIB THORACIC DYSPLASIA 3/6 WITH POLYDACTYLY, DIGENIC; Short rib polydactyly syndrome 2B; Saldino-Noonan Syndrome. Identifiers: Orphanet 474, Orphanet 93269, Orphanet 93270, Orphanet 93271, MedGen C0036069, MONDO:0013127, OMIM 613091.

Allele frequency attached by ClinVar (database versions not stated): gnomAD exomes 0.00152; ExAC 0.00194; gnomAD 0.00555; TOPMed 0.00634; ESP Exome Variant Server 0.00638; 1000 Genomes Project 0.00719; 1000 Genomes Project 30x 0.00781.
gnomAD v4.1: 1,765 of 1,611,950 alleles (0.11%); highest among the groups gnomAD compares: African/African-American, 2.1%; 14 homozygotes.

Submissions (5):

Labcorp Genetics (formerly Invitae), Labcorp
Classification: Benign for Jeune thoracic dystrophy. Last evaluated: 2026-02-04. Review status: criteria provided, single submitter. Criteria: Invitae Variant Classification Sherloc (09022015). Collection method: clinical testing. Allele origin: germline.

ARUP Laboratories, Molecular Genetics and Genomics, ARUP Laboratories
Classification: Benign for Asphyxiating thoracic dystrophy 3. Last evaluated: 2020-05-21. Review status: criteria provided, single submitter. Criteria: ARUP Molecular Germline Variant Investigation Process. Collection method: clinical testing. Allele origin: germline.

Illumina Laboratory Services, Illumina
Classification: Benign for Asphyxiating thoracic dystrophy 3. Last evaluated: 2018-01-12. Review status: criteria provided, single submitter. Criteria: ICSL Variant Classification Criteria 13 December 2019. Collection method: clinical testing. Allele origin: germline.
Comment: This variant was observed in the ICSL laboratory as part of a predisposition screen in an ostensibly healthy population. It had not been previously curated by ICSL or reported in the Human Gene Mutation Database (HGMD: prior to June 1st, 2018), and was therefore a candidate for classification through an automated scoring system. Utilizing variant allele frequency, disease prevalence and penetrance estimates, and inheritance mode, an automated score was calculated to assess if this variant is too frequent to cause the disease. Based on the score and internal cut-off values, a variant classified as benign is not then subjected to further curation. The score for this variant resulted in a classification of benign for this disease.

GeneDx
Classification: Benign. Last evaluated: 2017-11-06. Review status: criteria provided, single submitter. Criteria: GeneDx Variant Classification (06012015). Collection method: clinical testing. Allele origin: germline. Affected: yes.
Comment: This variant is considered likely benign or benign based on one or more of the following criteria: it is a conservative change, it occurs at a poorly conserved position in the protein, it is predicted to be benign by multiple in silico algorithms, and/or has population frequency not consistent with disease.

PreventionGenetics, part of Exact Sciences
Classification: Benign for DYNC2H1-related condition. Last evaluated: 2019-03-08. Review status: no assertion criteria provided. Collection method: clinical testing. Allele origin: germline. Not counted in ClinVar's aggregate classification.
Comment: This variant is classified as benign based on ACMG/AMP sequence variant interpretation guidelines (Richards et al. 2015 PMID: 25741868, with internal and published modifications).

NM_001377.3(DYNC2H1):c.11238C>T (p.Ser3746=)

Gene: DYNC2H1 (dynein cytoplasmic 2 heavy chain 1; plus strand). Cytogenetic location: 11q22.3.
Variant type: single nucleotide variant.
Coding change: c.11238C>T on transcript NM_001377.3 (MANE Select); coding-DNA position 11238, C replaced by T.
Protein change: p.Ser3746=; no amino-acid change (serine 3746 retained).
Molecular consequence: synonymous variant.
Genome position (GRCh38, 1-based): chr11:103,303,235, C>T. VCF-style: chr11-103303235-C-T. GRCh37 (hg19) VCF-style: chr11-103173964-C-T.
Other names: c.11259C>T, p.Ser3753= (NM_001080463.2).
Identifiers: ClinVar variation 302108 (VCV000302108.24), dbSNP rs78599571, ClinGen allele CA6255184.